The following is an entry in ClinVar:

ClinVar aggregate classification (germline): Uncertain significance. Review status: criteria provided, multiple submitters, no conflicts (2 of 4 stars). 6 submissions from 6 submitters: Uncertain significance (6). Last evaluated 2026-03-13.

Conditions:
Hypertrophic cardiomyopathy. Also called: HYPERTROPHIC MYOCARDIOPATHY. Identifiers: Orphanet 217569, MedGen C0007194, MeSH D002312, MONDO:0005045, HP:0001639.
Cardiovascular phenotype. Identifiers: MedGen CN230736.
Hypertrophic cardiomyopathy 11. Also called: ACTC1-Related Familial Hypertrophic Cardiomyopathy. Identifiers: MedGen C2677506, MONDO:0012799, OMIM 612098.
Dilated cardiomyopathy 1R (CMD1R). Identifiers: Orphanet 154, Orphanet 54260, MedGen C3150681, MONDO:0013261, OMIM 613424.
Atrial septal defect 5 (ASD5). Identifiers: Orphanet 1478, MedGen C2748552, MONDO:0013011, OMIM 612794.

Allele frequency attached by ClinVar (database versions not stated): gnomAD exomes below 0.00001.

Submissions (6):

GeneDx
Classification: Uncertain significance. Last evaluated: 2026-03-13. Review status: criteria provided, single submitter. Criteria: GeneDx Variant Classification Process June 2021. Collection method: clinical testing. Allele origin: germline.
Comment: Not observed at significant frequency in large population cohorts (gnomAD); In silico analysis suggests that this missense variant does not alter protein structure/function; This variant is associated with the following publications: (PMID: Blue2015[Review], 24461915, 24461919)

Labcorp Genetics (formerly Invitae), Labcorp
Classification: Uncertain significance for Dilated cardiomyopathy 1R; Hypertrophic cardiomyopathy 11; Atrial septal defect 5. Last evaluated: 2025-08-25. Review status: criteria provided, single submitter. Criteria: Invitae Variant Classification Sherloc (09022015). Collection method: clinical testing. Allele origin: germline.
Comment: This sequence change replaces methionine, which is neutral and non-polar, with leucine, which is neutral and non-polar, at codon 178 of the ACTC1 protein (p.Met178Leu). This variant is not present in population databases (gnomAD no frequency). This missense change has been observed in individual(s) with isolated secundum atrial septal defect (PMID: 24461919). It has also been observed to segregate with disease in related individuals. ClinVar contains an entry for this variant (Variation ID: 517203). An algorithm developed to predict the effect of missense changes on protein structure and function (PolyPhen-2) suggests that this variant is likely to be tolerated. In summary, the available evidence is currently insufficient to determine the role of this variant in disease. Therefore, it has been classified as a Variant of Uncertain Significance.

All of Us Research Program, National Institutes of Health
Classification: Uncertain significance for Hypertrophic cardiomyopathy. Last evaluated: 2023-11-30. Review status: criteria provided, single submitter. Criteria: ACMG Guidelines, 2015. Collection method: clinical testing. Allele origin: germline. Inheritance: Autosomal dominant inheritance. Observed: 1 variant allele, 1 heterozygote.
Comment: This missense variant replaces methionine with leucine at codon 178 of the ACTC1 protein. Computational prediction is inconclusive regarding the impact of this variant on protein structure and function (internally defined REVEL score threshold 0.5 < inconclusive < 0.7, PMID: 27666373). To our knowledge, functional studies have not been reported for this variant. This variant has been reported in five related individuals affected with atrial septal defect (PMID: 24461919). It has been shown that this variant segregates with disease in this family. This variant has not been identified in the general population by the Genome Aggregation Database (gnomAD). The available evidence is insufficient to determine the role of this variant in disease conclusively. Therefore, this variant is classified as a Variant of Uncertain Significance.

This study involves interpretation of variants in research participants for the purpose of population health screening. Participant phenotype was not available at the time of variant classification. Additional details can be found in publication PMID: 35346344, PMCID: PMC8962531

Ambry Genetics
Classification: Uncertain significance for Cardiovascular phenotype. Last evaluated: 2021-12-01. Review status: criteria provided, single submitter. Criteria: Ambry Variant Classification Scheme 2023. Collection method: clinical testing. Allele origin: germline.
Comment: The p.M178L variant (also known as c.532A>T), located in coding exon 3 of the ACTC1 gene, results from an A to T substitution at nucleotide position 532. The methionine at codon 178 is replaced by leucine, an amino acid with highly similar properties. This variant has been detected in several affected members of a family with atrial septal defect (Greenway SC et al. Can J Cardiol, 2014 Feb;30:181-7). This amino acid position is highly conserved in available vertebrate species. In addition, this alteration is predicted to be deleterious by in silico analysis. Since supporting evidence is limited at this time, the clinical significance of this alteration remains unclear.

Fulgent Genetics
Classification: Uncertain significance for Hypertrophic cardiomyopathy 11; Atrial septal defect 5; Dilated cardiomyopathy 1R. Last evaluated: 2021-07-29. Review status: criteria provided, single submitter. Criteria: ACMG Guidelines, 2015. Collection method: clinical testing. Allele origin: unknown.

Laboratory for Molecular Medicine, Mass General Brigham Personalized Medicine
Classification: Uncertain significance. Last evaluated: 2017-01-06. Review status: criteria provided, single submitter. Criteria: LMM Criteria. Collection method: clinical testing. Allele origin: germline. Observed: 1 variant allele.
Comment: Variant classified as Uncertain Significance - Favor Pathogenic. The p.Met178Leu variant in ACTC1 has been identified via exome sequencing in 1 Caucasian family with Atrial Septal Defect. The variant was present in 4 affected individuals an d 1 obligate carrier and was not absent in the one unaffected individual tested (Greenway 2014). This variant was absent from large population studies. Computat ional prediction tools and conservation analysis are suggest that the p.Met178Le u variant may not impact the protein, though this information is not predictive enough to rule out pathogenicity. The ACTC1 gene has previously been associated with ASD (Matson 2008) but the overall data linking this gene to ASD is still li mited. Therefore, while there is some suspicion that the Met178Leu variant caus es ASD its clinical significance is uncertain.

Literature cited by the submitters: PubMed 24461919 (cited by 4 submitters); PubMed 17947298 (cited by Laboratory for Molecular Medicine, Mass General Brigham Personalized Medicine).

NM_005159.5(ACTC1):c.532A>T (p.Met178Leu)

Genes: ACTC1 (actin alpha cardiac muscle 1; minus strand), GJD2-DT (GJD2 divergent transcript; plus strand). Cytogenetic location: 15q14.
Variant type: single nucleotide variant.
Coding change: c.532A>T on transcript NM_005159.5 (MANE Select); coding-DNA position 532, A replaced by T.
Protein change: p.Met178Leu; replaces methionine 178 with leucine.
Molecular consequence: missense variant.
Genome position (GRCh38, 1-based): chr15:34,792,492, T>A on the plus strand (A>T on the coding strand, the complement: ACTC1 is on the minus strand). VCF-style: chr15-34792492-T-A. GRCh37 (hg19) VCF-style: chr15-35084693-T-A.
Other names: short protein forms M178L.
Identifiers: ClinVar variation 517203 (VCV000517203.17), dbSNP rs1555418829, ClinGen allele CA391631025.
Genomic context (GRCh38, chr15:34,792,492, plus strand): 5'-GCTCAGTGAGGATCTTCATGAGGTAGTCAGTGAGGTCCCGACCAGCCAGATCCAGACGCA[T>A]GATGGCATGGGGCAAAGCGTAGCCCTCATAGATGGGGACATTGTGAGTTACACCATCCCC-3'
Protein context (NP_005150.1, residues 168-188): YEGYALPHAI[Met178Leu]RLDLAGRDLT